The following is an entry in ClinVar:

NM_015073.3(SIPA1L3):c.409_410delinsAT (p.Ala137Ile)

Gene: SIPA1L3 (signal induced proliferation associated 1 like 3; plus strand). Cytogenetic location: 19q13.13.
Variant type: Indel.
Coding change: c.409_410delinsAT on transcript NM_015073.3 (MANE Select); coding-DNA positions 409 to 410, GC replaced by AT.
Protein change: p.Ala137Ile; replaces alanine 137 with isoleucine.
Molecular consequence: missense variant.
Genome position (GRCh38, 1-based): chr19:38,081,974-38,081,975, GC replaced by AT. VCF-style: chr19-38081974-GC-AT. GRCh37 (hg19) VCF-style: chr19-38572614-GC-AT.
Other names: short protein forms A137I.
Identifiers: ClinVar variation 2179261 (VCV002179261.4), dbSNP rs2513635540, ClinGen allele CA2580096910.
Genomic context (GRCh38, chr19:38,081,974, plus strand): 5'-ATGAGGAGCATACAGAACGGACAGCCCCCCACCAGCACCCCGGCTTCCTCAGGGTCCAAA[GC>AT]CTTCCACCGACTCTCCAGGAGAAGGTCCAAAGACGTGGAGTTCCAGGACGGGTGGCCCCG-3'
Protein context (NP_055888.1, residues 127-147): TSTPASSGSK[Ala137Ile]FHRLSRRRSK

ClinVar aggregate classification (germline): Uncertain significance (1 of 4 stars; one submission).

Submission:

Labcorp Genetics (formerly Invitae), Labcorp
Classification: Uncertain significance. Last evaluated: 2022-03-25. Review status: criteria provided, single submitter. Criteria: Invitae Variant Classification Sherloc (09022015). Collection method: clinical testing. Allele origin: germline.
Comment: Algorithms developed to predict the effect of missense changes on protein structure and function are either unavailable or do not agree on the potential impact of this missense change (SIFT: "Not Available"; PolyPhen-2: "Possibly Damaging"; Align-GVGD: "Not Available"). In summary, the available evidence is currently insufficient to determine the role of this variant in disease. Therefore, it has been classified as a Variant of Uncertain Significance. This sequence change replaces alanine, which is neutral and non-polar, with isoleucine, which is neutral and non-polar, at codon 137 of the SIPA1L3 protein (p.Ala137Ile). This variant is present in population databases (no rsID available, gnomAD 0.6%). This variant has not been reported in the literature in individuals affected with SIPA1L3-related conditions.